The following is an entry in ClinVar:

NM_004100.5(EYA4):c.570G>T (p.Leu190Phe)

Gene: EYA4 (EYA transcriptional coactivator and phosphatase 4; plus strand). Cytogenetic location: 6q23.2.
Variant type: single nucleotide variant.
Coding change: c.570G>T on transcript NM_004100.5 (MANE Select); coding-DNA position 570, G replaced by T.
Protein change: p.Leu190Phe; replaces leucine 190 with phenylalanine.
Molecular consequence: missense variant.
Genome position (GRCh38, 1-based): chr6:133,462,467, G>T. VCF-style: chr6-133462467-G-T. GRCh37 (hg19) VCF-style: chr6-133783605-G-T.
Other names: c.408G>T, p.Leu136Phe (NM_001301012.2, NM_001370459.1); c.570G>T, p.Leu190Phe (NM_001301013.2, NM_172105.4); c.501G>T, p.Leu167Phe (NM_001370458.1, NM_172103.4); short protein forms L136F, L167F, L190F.
Identifiers: ClinVar variation 4806472 (VCV004806472.1).

ClinVar aggregate classification (germline): Uncertain significance (1 of 4 stars; one submission).

Conditions:
Dilated cardiomyopathy 1J (CMD1J). Also called: CARDIOMYOPATHY, DILATED, WITH SENSORINEURAL HEARING LOSS, AUTOSOMAL DOMINANT. Identifiers: Orphanet 217622, MedGen C1854368, MONDO:0011541, OMIM 605362.

gnomAD v4.1: 1 of 1,613,748 alleles (0.000062%); highest among the groups gnomAD compares: Non-Finnish European, 0.000085%; no homozygotes.

Submission:

Labcorp Genetics (formerly Invitae), Labcorp
Classification: Uncertain significance for Dilated cardiomyopathy 1J. Last evaluated: 2025-03-05. Review status: criteria provided, single submitter. Criteria: Invitae Variant Classification Sherloc (09022015). Collection method: clinical testing. Allele origin: germline.
Comment: This sequence change replaces leucine, which is neutral and non-polar, with phenylalanine, which is neutral and non-polar, at codon 190 of the EYA4 protein (p.Leu190Phe). This variant is not present in population databases (gnomAD no frequency). This variant has not been reported in the literature in individuals affected with EYA4-related conditions. Invitae Evidence Modeling of protein sequence and biophysical properties (such as structural, functional, and spatial information, amino acid conservation, physicochemical variation, residue mobility, and thermodynamic stability) indicates that this missense variant is not expected to disrupt EYA4 protein function with a negative predictive value of 80%. In summary, the available evidence is currently insufficient to determine the role of this variant in disease. Therefore, it has been classified as a Variant of Uncertain Significance.